The following is an entry in ClinVar:

NM_001128840.3(CACNA1D):c.1557C>T (p.Ala519=)

Gene: CACNA1D (calcium voltage-gated channel subunit alpha1 D; plus strand). Cytogenetic location: 3p21.1.
Variant type: single nucleotide variant.
Coding change: c.1557C>T on transcript NM_001128840.3 (MANE Select); coding-DNA position 1557, C replaced by T.
Protein change: p.Ala519=; no amino-acid change (alanine 519 retained).
Molecular consequence: synonymous variant.
Genome position (GRCh38, 1-based): chr3:53,722,365, C>T. VCF-style: chr3-53722365-C-T. GRCh37 (hg19) VCF-style: chr3-53756392-C-T.
Other names: p.Ala539=; c.1617C>T, p.Ala539= (NM_000720.4); c.1557C>T, p.Ala519= (NM_001128839.3).
Identifiers: ClinVar variation 682037 (VCV000682037.15), dbSNP rs144229993, ClinGen allele CA2454034.

ClinVar aggregate classification (germline): Likely benign. Review status: criteria provided, multiple submitters, no conflicts (2 of 4 stars). 6 submissions from 6 submitters: Likely benign (5). 1 of the submissions does not count toward it. Last evaluated 2026-06-01.

Conditions:
CACNA1D-related disorder.

Allele frequency attached by ClinVar (database versions not stated): gnomAD exomes 0.00010; ExAC 0.00012; ESP Exome Variant Server 0.00023; gnomAD 0.00031 and 0.00034; TOPMed 0.00040; 1000 Genomes Project 30x 0.00047; 1000 Genomes Project 0.00060.
gnomAD v4.1: 103 of 1,614,212 alleles (0.0064%); highest among the groups gnomAD compares: African/African-American, 0.097%; no homozygotes.

Submissions (6):

CeGaT Center for Human Genetics Tuebingen
Classification: Likely benign. Last evaluated: 2026-06-01. Review status: criteria provided, single submitter. Criteria: CeGaT Center For Human Genetics Tuebingen Variant Classification Criteria Version 2. Collection method: clinical testing. Allele origin: germline. Affected: yes. Observed: 1 variant allele.
Comment: CACNA1D: BP4, BP7

Labcorp Genetics (formerly Invitae), Labcorp
Classification: Likely benign. Last evaluated: 2026-01-12. Review status: criteria provided, single submitter. Criteria: Invitae Variant Classification Sherloc (09022015). Collection method: clinical testing. Allele origin: germline.

Mayo Clinic Laboratories, Mayo Clinic
Classification: Likely benign. Last evaluated: 2025-11-28. Review status: criteria provided, single submitter. Criteria: ACMG Guidelines, 2015. Collection method: clinical testing. Allele origin: germline. Observed: 1 variant allele.
Comment: BS1_supporting, BP4, BP7

Blueprint Genetics
Classification: Likely benign. Last evaluated: 2024-10-18. Review status: criteria provided, single submitter. Criteria: ACMG Guidelines, 2015. Collection method: clinical testing. Allele origin: germline.

GeneDx
Classification: Likely benign. Last evaluated: 2018-04-24. Review status: criteria provided, single submitter. Criteria: GeneDx Variant Classification (06012015). Collection method: clinical testing. Allele origin: germline. Affected: yes.
Comment: This variant is considered likely benign or benign based on one or more of the following criteria: it is a conservative change, it occurs at a poorly conserved position in the protein, it is predicted to be benign by multiple in silico algorithms, and/or has population frequency not consistent with disease.

PreventionGenetics, part of Exact Sciences
Classification: Likely benign for CACNA1D-related condition. Last evaluated: 2023-09-28. Review status: no assertion criteria provided. Collection method: clinical testing. Allele origin: germline. Not counted in ClinVar's aggregate classification.
Comment: This variant is classified as likely benign based on ACMG/AMP sequence variant interpretation guidelines (Richards et al. 2015 PMID: 25741868, with internal and published modifications).